The following is an entry in ClinVar:

NM_001114753.3(ENG):c.447G>C (p.Trp149Cys)

Gene: ENG (endoglin; minus strand). Cytogenetic location: 9q34.11.
Variant type: single nucleotide variant.
Coding change: c.447G>C on transcript NM_001114753.3 (MANE Select); coding-DNA position 447, G replaced by C.
Protein change: p.Trp149Cys; replaces tryptophan 149 with cysteine.
Molecular consequence: missense variant. On other transcripts: 5 prime UTR variant (1).
Genome position (GRCh38, 1-based): chr9:127,826,586, C>G on the plus strand (G>C on the coding strand, the complement: ENG is on the minus strand). VCF-style: chr9-127826586-C-G. GRCh37 (hg19) VCF-style: chr9-130588865-C-G.
Other names: NM_001114753.3(ENG):c.447G>C; c.447G>C, p.Trp149Cys (NM_000118.4, NM_001406715.1); c.-100G>C (NM_001278138.2); short protein forms W149C.
Identifiers: ClinVar variation 237027 (VCV000237027.39), dbSNP rs878853657, ClinGen allele CA10582615.

ClinVar aggregate classification (germline): Pathogenic. Review status: reviewed by expert panel (3 of 4 stars). 11 submissions from 11 submitters: Pathogenic (1). 10 of the submissions do not count toward it. Last evaluated 2024-03-15.

Conditions:
Cardiovascular phenotype. Identifiers: MedGen CN230736.
ENG-related disorder. Also called: ENG-related condition; ENG-related disorders.
Hereditary hemorrhagic telangiectasia (HHT). Also called: ORW DISEASE; Osler Weber Rendu syndrome; OSLER-RENDU-WEBER DISEASE; Osler hemorrhagic telangiectasia syndrome. Identifiers: Orphanet 774, MedGen C0039445, MONDO:0019180. Disease mechanism: loss of function.
Telangiectasia, hereditary hemorrhagic, type 1 (HHT1). Also called: Osler Weber Rendu syndrome type 1; ENG-Related Hereditary Hemorrhagic Telangiectasia. Identifiers: Orphanet 774, MedGen C4551861, MONDO:0008535, OMIM 187300. Disease mechanism: loss of function.

Submissions 1 to 5 of 11:

ClinGen Hereditary Hemorrhagic Telangiectasia Variant Curation Expert Panel, ClinGen
Classification: Pathogenic for Telangiectasia, hereditary hemorrhagic, type 1. Last evaluated: 2024-03-15. Review status: reviewed by expert panel. Criteria: ClinGen HHT ACMG Specifications ENG V1.1.0. Collection method: curation. Allele origin: germline. Inheritance: Autosomal dominant inheritance.
Comment: The NM_001114753.3: c.447G>C variant in ENG is a missense variant predicted to cause substitution of tryptophan by cysteine at amino acid 149 (p.Trp149Cys). This variant is absent from gnomAD v2.1.1 (PM2_Supporting). This variant has been reported in >4 probands with a phenotype consistent with HHT (PS4; PMID: 9554745, 22022569, 22991266, 32300199, Internal lab contributors). At least one patient's phenotype meets Curacao Criteria for HHT, and sequencing and large deletion/duplication analysis was performed for ENG and ACVRL1, which is highly specific for HHT (PP4_Moderate; Internal lab contributors). The variant has been reported to segregate with HHT in 3 affected individuals of a family (4 generations) (PP1; PMID: 10545596). The computational predictor REVEL gives a score of 0.762, which is above the threshold of greater than or equal to 0.644, evidence that correlates with impact to ENG function (PP3). Additionally, expression studies in endoglin-deficient mice, human umbilical vein endothelial cells (HUVECs) and peripheral blood activated monocytes showed reduced expression of fully processed normal endoglin indicating that this variant impacts protein function (PS3_Supporting; PMID: 10545596, 11343967, 10749981). In summary, this variant meets the criteria to be classified as pathogenic for autosomal dominant hereditary hemorrhagic telangiectasia based on the ACMG/AMP criteria applied, as specified by the ClinGen Hereditary Hemorrhagic Telangiectasia Variant Curation Expert Panel: PM2_Supporting, PP3, PP4_Moderate, PS4, PS3_Supporting, PP1 (specification version 1.0.0; 1/4/2024).

Clinical Genomics Laboratory, Washington University in St. Louis
Classification: Pathogenic for Telangiectasia, hereditary hemorrhagic, type 1. Last evaluated: 2026-04-24. Review status: criteria provided, single submitter. Criteria: ACMG Guidelines, 2015. Collection method: clinical testing. Allele origin: germline. Affected: yes. Not counted in ClinVar's aggregate classification.
Comment: An ENG c.447G>C (p.Trp149Cys) variant was identified at a near heterozygous allelic fraction of 48.7%, a frequency which may be consistent with it being of germline origin. This variant has been reported in several individuals affected with hereditary hemorrhagic telangiectasia (Ali BR et al., PMID: 22022569; Saito T et al., PMID: 28564608; Barbara N et al., PMID:10545596; Bossler AD et al., PMID: 16752392; McDonald J et al., PMID: 21158752; Bourdeau A et al., PMID: 10702408; Nishida T et al., PMID: 22991266; Prigoda NL et al., PMID: 16690726); has been reported as occurring de novo (Bossler AD et al., PMID: 16752392; McDonald J et al., PMID: 21158752; Nishida T et al., PMID: 22991266; Prigoda NL et al., PMID: 16690726) and is reported to segregate with disease in three individuals in a family (four generations) (Barbara N et al., PMID:10545596). It has been reported in the ClinVar database as a germline pathogenic variant by several submitters, including the ClinGen Hereditary Hemorrhagic Telangiectasia Variant Curation Expert Panel (Variation ID: 237027). This variant is absent from the general population (gnomAD v4.1.1), indicating it is not a common variant. Computational predictors indicate that the variant is damaging, evidence that correlates with impact to ENG function. In support of this prediction, functional studies (expression studies) in endoglin-deficient mice, human umbilical vein endothelial cells (HUVECs) and peripheral blood activated monocytes showed reduced expression of fully processed normal endoglin, indicating that this variant impacts protein function (Barbara N et al., PMID:10545596; Bourdeau A et al., PMID:11343967; Lux A et al., PMID:10749981). Based on available information and the ACMG/AMP guidelines for variant interpretation (Richards S et al., PMID: 25741868), this variant is classified as pathogenic.

Labcorp Genetics (formerly Invitae), Labcorp
Classification: Pathogenic for Hereditary hemorrhagic telangiectasia. Last evaluated: 2025-11-27. Review status: criteria provided, single submitter. Criteria: Invitae Variant Classification Sherloc (09022015). Collection method: clinical testing. Allele origin: germline. Not counted in ClinVar's aggregate classification.
Comment: This sequence change replaces tryptophan, which is neutral and slightly polar, with cysteine, which is neutral and slightly polar, at codon 149 of the ENG protein (p.Trp149Cys). This variant is not present in population databases (gnomAD no frequency). This missense change has been observed in individuals with hereditary hemorrhagic telangiectasia (HHT) (PMID: 9554745, 16690726, 20414677, 21158752, 22991266). ClinVar contains an entry for this variant (Variation ID: 237027). Invitae Evidence Modeling of protein sequence and biophysical properties (such as structural, functional, and spatial information, amino acid conservation, physicochemical variation, residue mobility, and thermodynamic stability) indicates that this missense variant is expected to disrupt ENG protein function with a positive predictive value of 95%. Experimental studies have shown that this missense change affects ENG function (PMID: 10545596, 10749981, 25080347). For these reasons, this variant has been classified as Pathogenic.

ARUP Laboratories, Molecular Genetics and Genomics, ARUP Laboratories
Classification: Pathogenic for Telangiectasia, hereditary hemorrhagic, type 1. Last evaluated: 2025-07-07. Review status: criteria provided, single submitter. Criteria: ARUP Molecular Germline Variant Investigation Process 2024. Collection method: clinical testing. Allele origin: germline. Not counted in ClinVar's aggregate classification.
Comment: The ENG c.447G>C; p.Trp149Cys variant (rs878853657, ClinVar Variation ID: 237027) has been reported in several individuals with a clinical diagnosis of hereditary hemorrhagic telangiectasia (HHT) and has been shown to segregate with disease in a four generation family (Bossler 2006, Bourdeau 2000, Gallione 2000, McDonald 2011, Nishida 1999). In addition, functional assays show the missense variant results in reduced expression of fully processed normal endoglin (Bourdeau 2000, Lux 2000, Pece-Barbara 1999). This variant is absent from the Genome Aggregation Database (v2.1.1), indicating it is not a common polymorphism. Computational analyses predict that this variant is deleterious (REVEL: 0.762). Based on available information, this variant is considered to be pathogenic. References: Bossler AD et al. Novel mutations in ENG and ACVRL1 identified in a series of 200 individuals undergoing clinical genetic testing for hereditary hemorrhagic telangiectasia (HHT): correlation of genotype with phenotype. Hum Mutat. 2006 Jul;27(7):667-75. PMID: 16752392. Bourdeau A et al. Endoglin expression is reduced in normal vessels but still detectable in arteriovenous malformations of patients with hereditary hemorrhagic telangiectasia type 1. Am J Pathol. 2000 Mar;156(3):911-23. PMID: 11343967. Gallione CJ et al. Mutation and expression analysis of the endoglin gene in hereditary hemorrhagic telangiectasia reveals null alleles. Hum Mutat. 1998;11(4):286-94. PMID: 9554745. Lux A et al. Expression analysis of endoglin missense and truncation mutations: insights into protein structure and disease mechanisms. Hum Mol Genet. 2000 Mar 22;9(5):745-55. PMID: 10749981. McDonald J et al. Molecular diagnosis in hereditary hemorrhagic telangiectasia: findings in a series tested simultaneously by sequencing and deletion/duplication analysis. Clin Genet. 2011 Apr;79(4):335-44. PMID: 21158752. McDonald J et al. Curacao diagnostic criteria for hereditary hemorrhagic telangiectasia is highly predictive of a pathogenic variant in ENG or ACVRL1 (HHT1 and HHT2). Genet Med. 2020 Jul;22(7):1201-1205. PMID: 32300199. Nishida T et al. Brain arteriovenous malformations associated with hereditary hemorrhagic telangiectasia: gene-phenotype correlations. Am J Med Genet A. 2012 Nov;158A(11):2829-34. PMID: 22991266. Pece-Barbara N et al. Expression analysis of four endoglin missense mutations suggests that haploinsufficiency is the predominant mechanism for hereditary hemorrhagic telangiectasia type 1. Hum Mol Genet. 1999 Nov;8(12):2171-81. PMID: 10545596.

Ambry Genetics
Classification: Pathogenic for Cardiovascular phenotype. Last evaluated: 2025-05-13. Review status: criteria provided, single submitter. Criteria: Ambry Variant Classification Scheme 2023. Collection method: clinical testing. Allele origin: germline. Not counted in ClinVar's aggregate classification.
Comment: The p.W149C pathogenic mutation (also known as c.447G>C), located in coding exon 4 of the ENG gene, results from a G to C substitution at nucleotide position 447. The tryptophan at codon 149 is replaced by cysteine, an amino acid with highly dissimilar properties. This variant was identified in one or more individuals with features consistent with hemorrhagic telangiectasia and segregated with disease in at least one family (Bourdeau A et al. Am. J. Pathol., 2000 Mar;156:911-23; Nishida T et al. Am. J. Med. Genet. A, 2012 Nov;158A:2829-34). Studies of monocytes isolated from an individual with this variant showed reduced levels of fully glycosylated endoglin (Pece-Barbara N et al. Hum. Mol. Genet., 1999 Nov;8:2171-81). This amino acid position is highly conserved in available vertebrate species. In addition, this alteration is predicted to be deleterious by in silico analysis. This variant is considered to be rare based on population cohorts in the Genome Aggregation Database (gnomAD). Based on the supporting evidence, this alteration is interpreted as a disease-causing mutation.